The following is an entry in ClinVar:

NM_144997.7(FLCN):c.1176+1G>A

Gene: FLCN (folliculin; minus strand). Cytogenetic location: 17p11.2.
Variant type: single nucleotide variant.
Coding change: c.1176+1G>A on transcript NM_144997.7 (MANE Select); the canonical splice donor site of the intron after coding-DNA position 1176, G replaced by A.
Molecular consequence: splice donor variant.
Genome position (GRCh38, 1-based): chr17:17,217,068, C>T on the plus strand (G>A on the coding strand, the complement: FLCN is on the minus strand). VCF-style: chr17-17217068-C-T. GRCh37 (hg19) VCF-style: chr17-17120382-C-T.
Other names: c.1176+1G>A (NM_001353231.2, NM_001353230.2); c.1230+1G>A (NM_001353229.2).
Identifiers: ClinVar variation 1740607 (VCV001740607.5), dbSNP rs1555607929, ClinGen allele CA398532090.

ClinVar aggregate classification (germline): Likely pathogenic. Review status: criteria provided, multiple submitters, no conflicts (2 of 4 stars). 2 submissions from 2 submitters: Likely pathogenic (2). Last evaluated 2026-01-07.

Conditions:
Hereditary cancer-predisposing syndrome. Also called: Neoplastic Syndromes, Hereditary; Tumor predisposition; Hereditary Cancer Syndrome; Hereditary neoplastic syndrome. Identifiers: Orphanet 140162, MedGen C0027672, MeSH D009386, MONDO:0015356.
Birt-Hogg-Dube syndrome. Also called: Birt Hogg Dubé syndrome. Identifiers: Orphanet 122, MedGen C0346010, MONDO:0800444.

Submissions (2):

Labcorp Genetics (formerly Invitae), Labcorp
Classification: Likely pathogenic for Birt-Hogg-Dube syndrome. Last evaluated: 2026-01-07. Review status: criteria provided, single submitter. Criteria: Invitae Variant Classification Sherloc (09022015). Collection method: clinical testing. Allele origin: germline.
Comment: This sequence change affects a donor splice site in intron 10 of the FLCN gene. It is expected to disrupt RNA splicing. Variants that disrupt the donor or acceptor splice site typically lead to a loss of protein function (PMID: 16199547), and loss-of-function variants in FLCN are known to be pathogenic (PMID: 15852235). This variant is not present in population databases (gnomAD no frequency). Disruption of this splice site has been observed in individual(s) with FLCN-related conditions (PMID: 35988656). ClinVar contains an entry for this variant (Variation ID: 1740607). Algorithms developed to predict the effect of sequence changes on RNA splicing suggest that this variant may disrupt the consensus splice site. In summary, the currently available evidence indicates that the variant is pathogenic, but additional data are needed to prove that conclusively. Therefore, this variant has been classified as Likely Pathogenic.

Ambry Genetics
Classification: Likely pathogenic for Hereditary cancer-predisposing syndrome. Last evaluated: 2025-10-23. Review status: criteria provided, single submitter. Criteria: Ambry Variant Classification Scheme 2023. Collection method: clinical testing. Allele origin: germline.
Comment: The c.1176+1G>A intronic variant results from a G to A substitution one nucleotide after coding exon 7 of the FLCN gene. This variant was reported in individual(s) with features consistent with Birt-Hogg-Dub&eacute; This nucleotide position is highly conserved in available vertebrate species. In silico splice site analysis predicts that this alteration will weaken the native splice donor site and will result in the creation or strengthening of a novel splice donor site. RNA studies have demonstrated that this alteration results in abnormal splicing in the set of samples tested (Ambry internal data). This variant is considered to be rare based on population cohorts in the Genome Aggregation Database (gnomAD). As such, this alteration is classified as likely pathogenic.

Literature cited by the submitters: PubMed 16199547 (cited by Labcorp Genetics (formerly Invitae), Labcorp); PubMed 15852235 (cited by Labcorp Genetics (formerly Invitae), Labcorp); PubMed 35988656 (cited by Labcorp Genetics (formerly Invitae), Labcorp).